The following is an entry in ClinVar:

ClinVar aggregate classification (germline): Pathogenic. Review status: reviewed by expert panel (3 of 4 stars). 8 submissions from 8 submitters: Pathogenic (1). 7 of the submissions do not count toward it. Last evaluated 2022-12-14.

Conditions:
Very long chain acyl-CoA dehydrogenase deficiency (ACADVLD). Also called: VLCAD Deficiency; Very Long-Chain Acyl-Coenzyme A Dehydrogenase Deficiency. Identifiers: Orphanet 26793, MedGen C3887523, MONDO:0008723, OMIM 201475.

Submissions (8):

ClinGen ACADVL Variant Curation Expert Panel, ClinGen
Classification: Pathogenic for Very long chain acyl-CoA dehydrogenase deficiency. Last evaluated: 2022-12-14. Review status: reviewed by expert panel. Criteria: clingen acadvl acmg specifications v1. Collection method: curation. Allele origin: germline. Inheritance: Autosomal recessive inheritance.
Comment: The c.644_647del (p.Phe214_Cys215insTer) variant in ACADVL is a frameshift variant predicted to cause a premature stop codon in biologically-relevant-exon 8/20 leading to nonsense mediated decay in a gene in which loss-of-function is an established disease mechanism (PVS1; PMIDs 9973285, 11590124). The highest population minor allele frequency in gnomAD v3.1.2 is 0.00006549 in Latino/Admixed American population, which is lower than the ClinGen ACADVL Variant Curation Expert Panel threshold (<0.001) for PM2_Supporting, meeting this criterion (PM2_Supporting). At least one patient with this variant displayed enzyme levels which is highly specific for VLCAD (PP4, PMID: 15210884). In summary, this variant meets the criteria to be classified as pathogenic for autosomal recessive very long chain acyl-CoA dehydrogenase (VLCAD) deficiency based on the ACMG/AMP criteria applied, as specified by the PVS1, PM2, PP4. (ACADVL VCEP specifications version 1; approved November 8, 2021).

Labcorp Genetics (formerly Invitae), Labcorp
Classification: Pathogenic for Very long chain acyl-CoA dehydrogenase deficiency. Last evaluated: 2025-12-10. Review status: criteria provided, single submitter. Criteria: Invitae Variant Classification Sherloc (09022015). Collection method: clinical testing. Allele origin: germline. Not counted in ClinVar's aggregate classification.
Comment: This sequence change creates a premature translational stop signal (p.Cys215*) in the ACADVL gene. It is expected to result in an absent or disrupted protein product. Loss-of-function variants in ACADVL are known to be pathogenic (PMID: 9973285, 11590124). This variant is present in population databases (no rsID available, gnomAD 0.01%). This premature translational stop signal has been observed in individual(s) with VLCAD deficiency (PMID: 9973285). ClinVar contains an entry for this variant (Variation ID: 370717). For these reasons, this variant has been classified as Pathogenic.

Baylor Genetics
Classification: Pathogenic for Very long chain acyl-CoA dehydrogenase deficiency. Last evaluated: 2023-04-16. Review status: criteria provided, single submitter. Criteria: ACMG Guidelines, 2015. Collection method: clinical testing. Allele origin: unknown. Not counted in ClinVar's aggregate classification.

Women's Health and Genetics/Laboratory Corporation of America, LabCorp
Classification: Pathogenic for Very long chain acyl-CoA dehydrogenase deficiency. Last evaluated: 2021-10-16. Review status: criteria provided, single submitter. Criteria: LabCorp Variant Classification Summary - May 2015. Collection method: clinical testing. Allele origin: germline. Not counted in ClinVar's aggregate classification.
Comment: Variant summary: ACADVL c.644_647delGTCT (p.Cys215X) results in a premature termination codon, predicted to cause a truncation of the encoded protein or absence of the protein due to nonsense mediated decay, which are commonly known mechanisms for disease. Truncations downstream of this position have been classified as pathogenic by our laboratory. The variant was absent in 251346 control chromosomes. c.644_647delGTCT has been reported in the literature in individuals affected with Very Long Chain Acyl-CoA Dehydrogenase Deficiency (example, Andresen_1999, Ohashi_2004) and has been subsequently cited by others (example, Gregersen_2004, Isackson_2013). To our knowledge, no experimental evidence demonstrating an impact on protein function has been reported. Five clinical diagnostic laboratories have submitted clinical-significance assessments for this variant to ClinVar after 2014 without evidence for independent evaluation. All laboratories classified the variant as pathogenic (n=4)/likely pathogenic (n=1). Based on the evidence outlined above, the variant was classified as pathogenic.

Wong Mito Lab, Molecular and Human Genetics, Baylor College of Medicine
Classification: Pathogenic for Very long chain acyl-CoA dehydrogenase deficiency. Last evaluated: 2019-11-01. Review status: criteria provided, single submitter. Criteria: ACMG Guidelines, 2015. Collection method: clinical testing. Allele origin: germline. Not counted in ClinVar's aggregate classification.
Comment: The NM_000018.3:c.644_647delGTCT (NP_000009.1:p.Cys215Ter) [GRCH38: NC_000017.11:g.7221973_7221976delGTCT] variant in ACADVL gene is interpretated to be Pathogenic based on ACMG guidelines (PMID: 25741868). This variant has been reported in PMID: 9973285. This variant meets the following evidence codes reported in the ACMG guidelines: PVS1, PS3

GeneDx
Classification: Pathogenic. Last evaluated: 2015-08-06. Review status: criteria provided, single submitter. Criteria: GeneDx Variant Classification (06012015). Collection method: clinical testing. Allele origin: germline. Affected: yes. Not counted in ClinVar's aggregate classification.
Comment: The c.644_647delGTCT pathogenic variant in the ACADVL gene has been reported previously in association with very long chain acyl-CoA dehydrogenase (VLCAD) deficiency (Andresen et al. 1999). The deletion causes the normal Cystine codon at position 215 to be replaced by a Stop codon, denoted p.Cys215Ter. This variant is predicted to cause loss of normal protein function either through protein truncation or nonsense-mediated mRNA decay.

Natera, Inc.
Classification: Pathogenic for Very long chain acyl-CoA dehydrogenase deficiency. Last evaluated: 2020-09-16. Review status: no assertion criteria provided. Collection method: clinical testing. Allele origin: germline. Not counted in ClinVar's aggregate classification.

Counsyl
Classification: Likely pathogenic for Very long chain acyl-CoA dehydrogenase deficiency. Last evaluated: 2016-03-30. Review status: no assertion criteria provided. Collection method: clinical testing. Allele origin: unknown. Not counted in ClinVar's aggregate classification.

Literature cited by the submitters: PubMed 9973285 (cited by 4 submitters); PubMed 11590124 (cited by Labcorp Genetics (formerly Invitae), Labcorp); PubMed 14728674 (cited by Women's Health and Genetics/Laboratory Corporation of America, LabCorp); PubMed 23169530 (cited by Women's Health and Genetics/Laboratory Corporation of America, LabCorp); PubMed 15210884 (cited by Women's Health and Genetics/Laboratory Corporation of America, LabCorp); PubMed 10384387 (cited by Counsyl).

NM_000018.4(ACADVL):c.644_647del (p.Phe214_Cys215insTer)

Gene: ACADVL (acyl-CoA dehydrogenase very long chain; plus strand). Cytogenetic location: 17p13.1.
Variant type: Deletion.
Coding change: c.644_647del on transcript NM_000018.4 (MANE Select); coding-DNA positions 644 to 647, 4 bases deleted (GTCT; older notation c.644_647delGTCT).
Protein change: p.Phe214_Cys215insTer.
Molecular consequence: nonsense.
Genome position (GRCh38, 1-based): chr17:7,221,973-7,221,976, GTCT deleted; deleting any 4 consecutive bases within chr17:7,221,970-7,221,976 gives the same sequence; the c. name uses the placement nearest the transcript's 3' end. VCF-style (leftmost placement, unchanged base first): chr17-7221969-TTCTG-T. GRCh37 (hg19) VCF-style: chr17-7125288-TTCTG-T.
Other names: NM_000018.4(ACADVL):c.644_647del; p.Phe214_Cys215insTer; c.644_647delGTCT (NM_000018.4); c.578_581del, p.Phe192_Cys193insTer (NM_001033859.3); c.713_716del, p.Phe237_Cys238insTer (NM_001270447.2); c.416_419del, p.Phe138_Cys139insTer (NM_001270448.2).
Identifiers: ClinVar variation 370717 (VCV000370717.17), dbSNP rs1057516714, ClinGen allele CA16041862.